The following is an entry in ClinVar:

ClinVar aggregate classification (germline): Uncertain significance. Review status: criteria provided, multiple submitters, no conflicts (2 of 4 stars). 3 submissions from 3 submitters: Uncertain significance (3). Last evaluated 2023-11-04.

Conditions:
Primary ciliary dyskinesia. Also called: Ciliary dyskinesia. Identifiers: Orphanet 244, MedGen C0008780, MONDO:0016575, HP:0012265.

Allele frequency attached by ClinVar (database versions not stated): gnomAD exomes below 0.00001.
gnomAD v4.1: 2 of 1,612,904 alleles (0.00012%); highest among the groups gnomAD compares: Non-Finnish European, 0.000085%; no homozygotes.

Submissions (3):

Labcorp Genetics (formerly Invitae), Labcorp
Classification: Uncertain significance for Primary ciliary dyskinesia. Last evaluated: 2023-11-04. Review status: criteria provided, single submitter. Criteria: Invitae Variant Classification Sherloc (09022015). Collection method: clinical testing. Allele origin: germline.
Comment: This sequence change replaces aspartic acid, which is acidic and polar, with valine, which is neutral and non-polar, at codon 1616 of the DNAH8 protein (p.Asp1616Val). This variant is not present in population databases (gnomAD no frequency). This variant has not been reported in the literature in individuals affected with DNAH8-related conditions. ClinVar contains an entry for this variant (Variation ID: 525228). Experimental studies and prediction algorithms are not available or were not evaluated, and the functional significance of this variant is currently unknown. In summary, the available evidence is currently insufficient to determine the role of this variant in disease. Therefore, it has been classified as a Variant of Uncertain Significance.

UNC Molecular Genetics  Laboratory, University of North Carolina at Chapel Hill
Classification: Uncertain significance for Primary ciliary dyskinesia. Last evaluated: 2019-05-08. Review status: criteria provided, single submitter. Criteria: ACMG Guidelines, 2015. Collection method: clinical testing. Allele origin: germline. Observed: 1 heterozygote.

Fulgent Genetics
Classification: Uncertain significance for Ciliary dyskinesia. Last evaluated: 2018-10-31. Review status: criteria provided, single submitter. Criteria: ACMG Guidelines, 2015. Collection method: clinical testing. Allele origin: unknown.

NM_001206927.2(DNAH8):c.4847A>T (p.Asp1616Val)

Gene: DNAH8 (dynein axonemal heavy chain 8; plus strand). Cytogenetic location: 6p21.2.
Variant type: single nucleotide variant.
Coding change: c.4847A>T on transcript NM_001206927.2 (MANE Select); coding-DNA position 4847, A replaced by T.
Protein change: p.Asp1616Val; replaces aspartic acid 1616 with valine.
Molecular consequence: missense variant.
Genome position (GRCh38, 1-based): chr6:38,845,575, A>T. VCF-style: chr6-38845575-A-T. GRCh37 (hg19) VCF-style: chr6-38813351-A-T.
Other names: c.4196A>T, p.Asp1399Val (NM_001371.4); short protein forms D1616V, D1399V.
Identifiers: ClinVar variation 525228 (VCV000525228.10), dbSNP rs943252271, ClinGen allele CA137571138.